The following is an entry in ClinVar:

ClinVar aggregate classification (germline): Uncertain significance (1 of 4 stars; one submission).

gnomAD v4.1: 4 of 986,564 alleles (0.00041%); highest among the groups gnomAD compares: South Asian, 0.014%; no homozygotes.

Submission:

Labcorp Genetics (formerly Invitae), Labcorp
Classification: Uncertain significance. Last evaluated: 2024-09-06. Review status: criteria provided, single submitter. Criteria: Invitae Variant Classification Sherloc (09022015). Collection method: clinical testing. Allele origin: germline.
Comment: This sequence change replaces histidine, which is basic and polar, with glutamine, which is neutral and polar, at codon 114 of the MNX1 protein (p.His114Gln). The frequency data for this variant in the population databases is considered unreliable, as metrics indicate insufficient coverage at this position in the gnomAD database. This variant has not been reported in the literature in individuals affected with MNX1-related conditions. Invitae Evidence Modeling of protein sequence and biophysical properties (such as structural, functional, and spatial information, amino acid conservation, physicochemical variation, residue mobility, and thermodynamic stability) indicates that this missense variant is not expected to disrupt MNX1 protein function with a negative predictive value of 80%. In summary, the available evidence is currently insufficient to determine the role of this variant in disease. Therefore, it has been classified as a Variant of Uncertain Significance.

NM_005515.4(MNX1):c.342C>G (p.His114Gln)

Gene: MNX1 (motor neuron and pancreas homeobox 1; minus strand). Cytogenetic location: 7q36.3.
Variant type: single nucleotide variant.
Coding change: c.342C>G on transcript NM_005515.4 (MANE Select); coding-DNA position 342, C replaced by G.
Protein change: p.His114Gln; replaces histidine 114 with glutamine.
Molecular consequence: missense variant.
Genome position (GRCh38, 1-based): chr7:157,010,009, G>C on the plus strand (C>G on the coding strand, the complement: MNX1 is on the minus strand). VCF-style: chr7-157010009-G-C. GRCh37 (hg19) VCF-style: chr7-156802703-G-C.
Other names: short protein forms H114Q.
Identifiers: ClinVar variation 3718754 (VCV003718754.2).
Genomic context (GRCh38, chr7:157,010,009, plus strand): 5'-AGCGGCGGCGGCGGCGGCGGCGGCGGCGGCAGCGGCCGCTGCGCCCGGATGCGCGTGGTG[G>C]TGGGGCCCCCCGTGCCCGCCGCCCGTGCCGCCGCCGCCGCCGCCCGCGCCCAGGAAGCCC-3'
Protein context (NP_005506.3, residues 104-124): GGTGGGHGGP[His114Gln]HHAHPGAAAA